The following is an entry in ClinVar:

ClinVar aggregate classification (germline): Uncertain significance (1 of 4 stars; one submission).

gnomAD v4.1: 1 of 1,595,152 alleles (0.000063%); highest among the groups gnomAD compares: Non-Finnish European, 0.000085%; no homozygotes.

Submission:

Labcorp Genetics (formerly Invitae), Labcorp
Classification: Uncertain significance. Last evaluated: 2025-03-18. Review status: criteria provided, single submitter. Criteria: Invitae Variant Classification Sherloc (09022015). Collection method: clinical testing. Allele origin: germline.
Comment: This sequence change replaces serine, which is neutral and polar, with threonine, which is neutral and polar, at codon 349 of the PRKCSH protein (p.Ser349Thr). This variant is not present in population databases (gnomAD no frequency). This variant has not been reported in the literature in individuals affected with PRKCSH-related conditions. An algorithm developed to predict the effect of missense changes on protein structure and function (PolyPhen-2) suggests that this variant is likely to be tolerated. In summary, the available evidence is currently insufficient to determine the role of this variant in disease. Therefore, it has been classified as a Variant of Uncertain Significance.

NM_001289104.2(PRKCSH):c.1067G>C (p.Ser356Thr)

Gene: PRKCSH (PRKCSH beta subunit of glucosidase II; plus strand). Cytogenetic location: 19p13.2.
Variant type: single nucleotide variant.
Coding change: c.1067G>C on transcript NM_001289104.2 (MANE Select); coding-DNA position 1067, G replaced by C.
Protein change: p.Ser356Thr; replaces serine 356 with threonine.
Molecular consequence: missense variant.
Genome position (GRCh38, 1-based): chr19:11,447,730, G>C. VCF-style: chr19-11447730-G-C. GRCh37 (hg19) VCF-style: chr19-11558545-G-C.
Other names: c.1037G>C, p.Ser346Thr (NM_001001329.3, NM_001289102.2, NM_001379609.1); c.1067G>C, p.Ser356Thr (NM_001289103.2); c.1046G>C, p.Ser349Thr (NM_001379608.1, NM_002743.3); short protein forms S346T, S349T, S356T.
Identifiers: ClinVar variation 4712218 (VCV004712218.1).
Genomic context (GRCh38, chr19:11,447,730, plus strand): 5'-CACTGACCCTGCCCCTGCCCCAGGAGGCCCCACCGCCACTGTCACCCCCGCAGCCGGCCA[G>C]CCCTGCTGAGGAAGACAAAATGCCGCCCTACGACGAGCAGACGCAGGCCTTCATCGATGG-3'
Protein context (NP_001276033.1, residues 346-366): PPPLSPPQPA[Ser356Thr]PAEEDKMPPY